The following is an entry in ClinVar:

ClinVar aggregate classification (germline): Likely benign. Review status: criteria provided, multiple submitters, no conflicts (2 of 4 stars). 4 submissions from 4 submitters: Likely benign (3). 1 of the submissions does not count toward it. Last evaluated 2025-03-31.

Conditions:
KRAS-related disorder. Also called: KRAS-related condition; KRAS-related disorders.
RASopathy. Also called: rasopathies; Noonan spectrum disorder. Identifiers: Orphanet 536391, MedGen C5555857, MONDO:0021060.

Submissions (5):

Labcorp Genetics (formerly Invitae), Labcorp
Classification: Likely benign for RASopathy. Last evaluated: 2025-03-31. Review status: criteria provided, single submitter. Criteria: Invitae Variant Classification Sherloc (09022015). Collection method: clinical testing. Allele origin: germline.

Women's Health and Genetics/Laboratory Corporation of America, LabCorp
Classification: Likely benign. Last evaluated: 2024-12-20. Review status: criteria provided, single submitter. Criteria: LabCorp Variant Classification Summary - May 2015. Collection method: clinical testing. Allele origin: germline.
Comment: Variant summary: KRAS c.291-10delT alters a non-conserved nucleotide located at a position not widely known to affect splicing. Consensus agreement among computation tools predict no significant impact on normal splicing. However, these predictions have yet to be confirmed by functional studies. The frequency data for this variant in gnomAD is considered unreliable, as metrics indicate poor data quality at this position. To our knowledge, no occurrence of c.291-10delT in individuals affected with Noonan Syndrome and no experimental evidence demonstrating its impact on protein function have been reported. ClinVar contains an entry for this variant (Variation ID: 167235). Based on the evidence outlined above, the variant was classified as likely benign.

Eurofins Ntd Llc (ga)
Classification: Likely benign. Last evaluated: 2014-03-10. Review status: criteria provided, single submitter. Criteria: EGL Classification Definitions 2015. Collection method: clinical testing. Allele origin: germline. Observed: 1 variant allele, 1 heterozygote.

PreventionGenetics, part of Exact Sciences
Classification: Likely benign for KRAS-related condition. Last evaluated: 2024-02-28. Review status: no assertion criteria provided. Collection method: clinical testing. Allele origin: germline. Not counted in ClinVar's aggregate classification.
Comment: This variant is classified as likely benign based on ACMG/AMP sequence variant interpretation guidelines (Richards et al. 2015 PMID: 25741868, with internal and published modifications).

Dr. Peter K. Rogan Lab, Western University
No classification provided (evidence only). Condition: Gastric cancer. Review status: no classification provided. Collection method: in vitro. Allele origin: not applicable. Functional consequence: retained intron. Not counted in ClinVar's aggregate classification.

NM_004985.5(KRAS):c.291-10del

Gene: KRAS (KRas proto-oncogene, GTPase; minus strand). Cytogenetic location: 12p12.1.
Variant type: Deletion.
Coding change: c.291-10del on transcript NM_004985.5 (MANE Select); 10 bases into the intron before coding-DNA position 291, one base deleted (T; older notation c.291-10delT).
Molecular consequence: intron variant.
Genome position (GRCh38, 1-based): chr12:25,225,783, A deleted on the plus strand (T on the coding strand, the reverse complement: KRAS is on the minus strand); the first of 8 consecutive A bases (chr12:25,225,783-25,225,790); deleting any one gives the same sequence. VCF-style (leftmost placement, unchanged base first): chr12-25225782-GA-G. GRCh37 (hg19) VCF-style: chr12-25378716-GA-G.
Other names: NC_000012.11:g.25378724del; c.291-10delT (NM_033360.4, NM_004985.4); c.291-17del (NM_004985.5); c.291-10del (NM_001369787.1, NM_001369786.1, NM_033360.4).
Identifiers: ClinVar variation 167235 (VCV000167235.17), dbSNP rs727503991, ClinGen allele CA180148.
Genomic context (GRCh38, chr12:25,225,782, plus strand): 5'-TACTAGGACCATAGGTACATCTTCAGAGTCCTTAACTCTTTTAATTTGTTCTCTGGGAAA[GA>G]AAAAAAAGTTATAGCACAGTCATTAGTAACACAAATATCTTTCAAAACCTGTCCACAACT-3'